The following is an entry in ClinVar:

ClinVar aggregate classification (germline): Uncertain significance (1 of 4 stars; one submission).

Conditions:
Cataract 45 (CTRCT45). Identifiers: Orphanet 91492, MedGen C4225182, MONDO:0014799, OMIM 616851.

gnomAD v4.1: 1 of 1,614,066 alleles (0.000062%); highest among the groups gnomAD compares: East Asian, 0.0022%; no homozygotes.

Submission:

Juno Genomics, Hangzhou Juno Genomics, Inc
Classification: Uncertain significance for Cataract 45. Review status: criteria provided, single submitter. Criteria: ACMG Guidelines, 2015. Collection method: clinical testing. Allele origin: germline. Affected: yes.
Comment: Absent from controls (or at extremely low frequency if recessive) in Genome Aggregation Database, Exome Sequencing Project, 1000 Genomes Project, or Exome Aggregation Consortium.

NM_015073.3(SIPA1L3):c.2705T>C (p.Leu902Ser)

Gene: SIPA1L3 (signal induced proliferation associated 1 like 3; plus strand). Cytogenetic location: 19q13.13.
Variant type: single nucleotide variant.
Coding change: c.2705T>C on transcript NM_015073.3 (MANE Select); coding-DNA position 2705, T replaced by C.
Protein change: p.Leu902Ser; replaces leucine 902 with serine.
Molecular consequence: missense variant.
Genome position (GRCh38, 1-based): chr19:38,119,719, T>C. VCF-style: chr19-38119719-T-C. GRCh37 (hg19) VCF-style: chr19-38610359-T-C.
Other names: short protein forms L902S.
Identifiers: ClinVar variation 3382071 (VCV003382071.2).